The following is an entry in ClinVar:

ClinVar aggregate classification (germline): Uncertain significance. Review status: criteria provided, multiple submitters, no conflicts (2 of 4 stars). 4 submissions from 4 submitters: Uncertain significance (4). Last evaluated 2023-12-26.

Conditions:
Inborn genetic diseases. Identifiers: MedGen C0950123, MeSH D030342.

Allele frequency attached by ClinVar (database versions not stated): gnomAD exomes 0.00001 and 0.00002; TOPMed 0.00001; ExAC 0.00002; ESP Exome Variant Server 0.00008.
gnomAD v4.1: 11 of 1,612,538 alleles (0.00068%); highest among the groups gnomAD compares: Middle Eastern, 0.017%; no homozygotes.

Submissions (4):

Ambry Genetics
Classification: Uncertain significance for Inborn genetic diseases. Last evaluated: 2023-12-26. Review status: criteria provided, single submitter. Criteria: Ambry Variant Classification Scheme 2023. Collection method: clinical testing. Allele origin: germline.

Labcorp Genetics (formerly Invitae), Labcorp
Classification: Uncertain significance. Last evaluated: 2020-10-13. Review status: criteria provided, single submitter. Criteria: Invitae Variant Classification Sherloc (09022015). Collection method: clinical testing. Allele origin: germline.
Comment: This sequence change replaces threonine with lysine at codon 2662 of the HSPG2 protein (p.Thr2662Lys). The threonine residue is weakly conserved and there is a moderate physicochemical difference between threonine and lysine. In summary, the available evidence is currently insufficient to determine the role of this variant in disease. Therefore, it has been classified as a Variant of Uncertain Significance. Algorithms developed to predict the effect of missense changes on protein structure and function are either unavailable or do not agree on the potential impact of this missense change (SIFT: "Tolerated"; PolyPhen-2: "Possibly Damaging"; Align-GVGD: "Class C0"). This variant has not been reported in the literature in individuals with HSPG2-related conditions. This variant is present in population databases (rs374346089, ExAC 0.004%).

Revvity Omics, Revvity
Classification: Uncertain significance. Last evaluated: 2020-03-17. Review status: criteria provided, single submitter. Criteria: ACMG Guidelines, 2015. Collection method: clinical testing. Allele origin: germline.

Athena Diagnostics
Classification: Uncertain significance. Last evaluated: 2019-11-05. Review status: criteria provided, single submitter. Criteria: Athena Diagnostics Criteria. Collection method: clinical testing. Allele origin: unknown.

NM_005529.7(HSPG2):c.7985C>A (p.Thr2662Lys)

Gene: HSPG2 (heparan sulfate proteoglycan 2; minus strand). Cytogenetic location: 1p36.12.
Variant type: single nucleotide variant.
Coding change: c.7985C>A on transcript NM_005529.7 (MANE Select); coding-DNA position 7985, C replaced by A.
Protein change: p.Thr2662Lys; replaces threonine 2662 with lysine.
Molecular consequence: missense variant.
Genome position (GRCh38, 1-based): chr1:21,847,729, G>T on the plus strand (C>A on the coding strand, the complement: HSPG2 is on the minus strand). VCF-style: chr1-21847729-G-T. GRCh37 (hg19) VCF-style: chr1-22174222-G-T.
Other names: c.7985C>A (NM_005529.5); c.7988C>A, p.Thr2663Lys (NM_001291860.2); short protein forms T2662K, T2663K.
Identifiers: ClinVar variation 994626 (VCV000994626.13), dbSNP rs374346089, ClinGen allele CA670982.
Genomic context (GRCh38, chr1:21,847,729, plus strand): 5'-GCTGTGGCTCCACTCTGTACCTGGTGTCGGGAGGGAAGGCTGCCCCCACGCTTGTACCAT[G>T]TGATGATAGCCTGGGGCTGCCTGGCGACCACGCAGTTCAGATCCAAGGTCTGCCCTTCCA-3'
Protein context (NP_005520.4, residues 2652-2672): VVARQPQAII[Thr2662Lys]WYKRGGSLPS